The following is an entry in ClinVar:

ClinVar aggregate classification (germline): Uncertain significance (1 of 4 stars; one submission).

gnomAD v4.1: 8 of 1,614,244 alleles (0.0005%); highest among the groups gnomAD compares: Admixed American, 0.0067%; no homozygotes.

Submission:

Labcorp Genetics (formerly Invitae), Labcorp
Classification: Uncertain significance. Last evaluated: 2025-09-01. Review status: criteria provided, single submitter. Criteria: Invitae Variant Classification Sherloc (09022015). Collection method: clinical testing. Allele origin: germline.
Comment: This sequence change replaces threonine, which is neutral and polar, with alanine, which is neutral and non-polar, at codon 996 of the REST protein (p.Thr996Ala). This variant is present in population databases (rs778468524, gnomAD 0.01%). This variant has not been reported in the literature in individuals affected with REST-related conditions. An algorithm developed to predict the effect of missense changes on protein structure and function (PolyPhen-2) suggests that this variant is likely to be tolerated. In summary, the available evidence is currently insufficient to determine the role of this variant in disease. Therefore, it has been classified as a Variant of Uncertain Significance.

NM_005612.5(REST):c.2986A>G (p.Thr996Ala)

Gene: REST (RE1 silencing transcription factor; plus strand). Cytogenetic location: 4q12.
Variant type: single nucleotide variant.
Coding change: c.2986A>G on transcript NM_005612.5 (MANE Select); coding-DNA position 2986, A replaced by G.
Protein change: p.Thr996Ala; replaces threonine 996 with alanine.
Molecular consequence: missense variant.
Genome position (GRCh38, 1-based): chr4:56,931,844, A>G. VCF-style: chr4-56931844-A-G. GRCh37 (hg19) VCF-style: chr4-57798010-A-G.
Other names: c.2986A>G, p.Thr996Ala (NM_001193508.2, NM_001363453.3); c.2902A>G, p.Thr968Ala (NM_001440532.1, NM_001440533.1); short protein forms T996A, T968A.
Identifiers: ClinVar variation 4697055 (VCV004697055.1).